The following is an entry in ClinVar:

ClinVar aggregate classification (germline): Uncertain significance (1 of 4 stars; one submission).

Conditions:
Creatine transporter deficiency (CCDS1). Also called: Mental retardation , X-linked with seizures, short stature and midface hypoplasia; Mental retardation , X-linked, with creatine transport deficiency; X-linked creatine transporter deficiency; X-linked creatine deficiency syndrome; SLC6A8-Related Creatine Transporter Deficiency; Creatine Transporter (CRTR) Deficiency. Identifiers: Orphanet 52503, MedGen C1845862, MONDO:0010305, OMIM 300352.

Submission:

Labcorp Genetics (formerly Invitae), Labcorp
Classification: Uncertain significance for Creatine transporter deficiency. Last evaluated: 2021-10-10. Review status: criteria provided, single submitter. Criteria: Invitae Variant Classification Sherloc (09022015). Collection method: clinical testing. Allele origin: germline.
Comment: This sequence change replaces glycine with aspartic acid at codon 600 of the SLC6A8 protein (p.Gly600Asp). The glycine residue is moderately conserved and there is a moderate physicochemical difference between glycine and aspartic acid. This variant is not present in population databases (ExAC no frequency). This variant has not been reported in the literature in individuals affected with SLC6A8-related conditions. Advanced modeling of protein sequence and biophysical properties (such as structural, functional, and spatial information, amino acid conservation, physicochemical variation, residue mobility, and thermodynamic stability) performed at Invitae indicates that this missense variant is not expected to disrupt SLC6A8 protein function. In summary, the available evidence is currently insufficient to determine the role of this variant in disease. Therefore, it has been classified as a Variant of Uncertain Significance.

NM_005629.4(SLC6A8):c.1799G>A (p.Gly600Asp)

Gene: SLC6A8 (solute carrier family 6 member 8; plus strand). Cytogenetic location: Xq28.
Variant type: single nucleotide variant.
Coding change: c.1799G>A on transcript NM_005629.4 (MANE Select); coding-DNA position 1799, G replaced by A.
Protein change: p.Gly600Asp; replaces glycine 600 with aspartic acid.
Molecular consequence: missense variant.
Genome position (GRCh38, 1-based): chrX:153,695,105, G>A. VCF-style: chrX-153695105-G-A. GRCh37 (hg19) VCF-style: chrX-152960560-G-A.
Other names: c.1769G>A, p.Gly590Asp (NM_001142805.2); c.1454G>A, p.Gly485Asp (NM_001142806.1); short protein forms G485D, G590D, G600D.
Identifiers: ClinVar variation 1385848 (VCV001385848.6), dbSNP rs2148365237, ClinGen allele CA415091109.